The following is an entry in ClinVar:

ClinVar aggregate classification (germline): Uncertain significance (1 of 4 stars; one submission).

Conditions:
Malignant hyperthermia, susceptibility to, 5 (MHS5). Also called: CACNA1S-Related Malignant Hyperthermia Susceptibility. Identifiers: Orphanet 423, MedGen C1866077, MONDO:0011163, OMIM 601887.

Submission:

All of Us Research Program, National Institutes of Health
Classification: Uncertain significance for Malignant hyperthermia, susceptibility to, 5. Last evaluated: 2023-05-04. Review status: criteria provided, single submitter. Criteria: ACMG Guidelines, 2015. Collection method: clinical testing. Allele origin: germline. Inheritance: Autosomal dominant inheritance. Observed: 1 variant allele, 1 heterozygote.
Comment: This missense variant replaces aspartic acid with glutamic acid at codon 1203 of the CACNA1S protein. Computational prediction is inconclusive regarding the impact of this variant on protein structure and function (internally defined REVEL score threshold 0.5 < inconclusive < 0.7, PMID: 27666373). To our knowledge, functional studies have not been reported for this variant. This variant has not been reported in individuals affected with CACNA1S-related disorders in the literature. This variant has not been identified in the general population by the Genome Aggregation Database (gnomAD). The available evidence is insufficient to determine the role of this variant in disease conclusively. Therefore, this variant is classified as a Variant of Uncertain Significance.

This study involves interpretation of variants in research participants for the purpose of population health screening. Participant phenotype was not available at the time of variant classification. Additional details can be found in publication PMID: 35346344, PMCID: PMC8962531

NM_000069.3(CACNA1S):c.3609C>G (p.Asp1203Glu)

Gene: CACNA1S (calcium voltage-gated channel subunit alpha1 S; minus strand). Cytogenetic location: 1q32.1.
Variant type: single nucleotide variant.
Coding change: c.3609C>G on transcript NM_000069.3 (MANE Select); coding-DNA position 3609, C replaced by G.
Protein change: p.Asp1203Glu; replaces aspartic acid 1203 with glutamic acid.
Molecular consequence: missense variant.
Genome position (GRCh38, 1-based): chr1:201,058,408, G>C on the plus strand (C>G on the coding strand, the complement: CACNA1S is on the minus strand). VCF-style: chr1-201058408-G-C. GRCh37 (hg19) VCF-style: chr1-201027536-G-C.
Other names: short protein forms D1203E.
Identifiers: ClinVar variation 3070684 (VCV003070684.1), dbSNP rs374324793, ClinGen allele CA344157299.